The following is an entry in ClinVar:

ClinVar aggregate classification (germline): Uncertain significance (1 of 4 stars; one submission).

Submission:

Labcorp Genetics (formerly Invitae), Labcorp
Classification: Uncertain significance. Last evaluated: 2023-10-27. Review status: criteria provided, single submitter. Criteria: Invitae Variant Classification Sherloc (09022015). Collection method: clinical testing. Allele origin: unknown.
Comment: This variant is a gross deletion of the genomic region encompassing exon(s) 1 of the XRCC2 gene, which includes the initiator codon. This deletion extends beyond the assayed region for this gene and therefore may encompass additional genes. It is expected to result in an absent or disrupted protein product. However, the current clinical and genetic evidence is not sufficient to establish whether loss-of-function variants in XRCC2 cause disease. This variant has not been reported in the literature in individuals affected with XRCC2-related conditions. Experimental studies and prediction algorithms are not available or were not evaluated, and the functional significance of this variant is currently unknown. In summary, the available evidence is currently insufficient to determine the role of this variant in disease. Therefore, it has been classified as a Variant of Uncertain Significance.

NC_000007.13:g.(?_152373106)_(152373164_?)del

Gene: XRCC2 (X-ray repair cross complementing 2; minus strand). Cytogenetic location: 7q36.1.
Variant type: Deletion.
Identifiers: ClinVar variation 3245885 (VCV003245885.1).